The following is an entry in ClinVar:

ClinVar aggregate classification (germline): Conflicting classifications of pathogenicity. Review status: criteria provided, conflicting classifications (1 of 4 stars). 2 submissions from 2 submitters: Pathogenic (1); Uncertain significance (1). Last evaluated 2024-03-26.

Conditions:
Junctional epidermolysis bullosa, non-Herlitz type. Also called: COL17A1-Related Junctional Epidermolysis Bullosa; Adult junctional epidermolysis bullosa; Epidermolysis bullosa, junctional, non-herlitz type, somatic mosaic revertant; EPIDERMOLYSIS BULLOSA, JUNCTIONAL 1A, INTERMEDIATE; EPIDERMOLYSIS BULLOSA JUNCTIONALIS, DISENTIS TYPE; EPIDERMOLYSIS BULLOSA JUNCTIONALIS, NON-HERLITZ TYPE. Identifiers: Orphanet 251393, Orphanet 79402, Orphanet 79405, Orphanet 89840, MedGen C0268374, MONDO:0009180, OMIM 226650.

Submissions (2):

Genomic Medicine Center of Excellence, King Faisal Specialist Hospital and Research Centre
Classification: Uncertain significance for Junctional epidermolysis bullosa, non-Herlitz type. Last evaluated: 2024-03-26. Review status: criteria provided, single submitter. Criteria: ACMG Guidelines, 2015. Collection method: clinical testing. Allele origin: germline.

Labcorp Genetics (formerly Invitae), Labcorp
Classification: Pathogenic. Last evaluated: 2022-02-07. Review status: criteria provided, single submitter. Criteria: Invitae Variant Classification Sherloc (09022015). Collection method: clinical testing. Allele origin: germline.
Comment: For these reasons, this variant has been classified as Pathogenic. This variant has not been reported in the literature in individuals affected with LAMB3-related conditions. This variant is not present in population databases (gnomAD no frequency). This sequence change creates a premature translational stop signal (p.Trp470*) in the LAMB3 gene. It is expected to result in an absent or disrupted protein product. Loss-of-function variants in LAMB3 are known to be pathogenic (PMID: 11023379, 16473856).

Literature cited by the submitters: PubMed 11023379 (cited by Labcorp Genetics (formerly Invitae), Labcorp); PubMed 16473856 (cited by Labcorp Genetics (formerly Invitae), Labcorp).

NM_000228.3(LAMB3):c.1410G>A (p.Trp470Ter)

Gene: LAMB3 (laminin subunit beta 3; minus strand). Cytogenetic location: 1q32.2.
Variant type: single nucleotide variant.
Coding change: c.1410G>A on transcript NM_000228.3 (MANE Select); coding-DNA position 1410, G replaced by A.
Protein change: p.Trp470Ter; replaces tryptophan 470 with a stop codon.
Molecular consequence: nonsense.
Genome position (GRCh38, 1-based): chr1:209,627,458, C>T on the plus strand (G>A on the coding strand, the complement: LAMB3 is on the minus strand). VCF-style: chr1-209627458-C-T. GRCh37 (hg19) VCF-style: chr1-209800803-C-T.
Other names: c.1410G>A (NM_001017402.1); c.1410G>A, p.Trp470Ter (NM_001017402.2, NM_001127641.1); short protein forms W470*.
Identifiers: ClinVar variation 2094416 (VCV002094416.5), dbSNP rs2464831400, ClinGen allele CA344591114.